The following is an entry in ClinVar:

NM_022552.5(DNMT3A):c.1325A>G (p.Glu442Gly)

Gene: DNMT3A (DNA methyltransferase 3 alpha; minus strand). Cytogenetic location: 2p23.3.
Variant type: single nucleotide variant.
Coding change: c.1325A>G on transcript NM_022552.5 (MANE Select); coding-DNA position 1325, A replaced by G.
Protein change: p.Glu442Gly; replaces glutamic acid 442 with glycine.
Molecular consequence: missense variant. On other transcripts: non-coding transcript variant (1).
Genome position (GRCh38, 1-based): chr2:25,246,264, T>C on the plus strand (A>G on the coding strand, the complement: DNMT3A is on the minus strand). VCF-style: chr2-25246264-T-C. GRCh37 (hg19) VCF-style: chr2-25469133-T-C.
Other names: c.869A>G, p.Glu290Gly (NM_001320893.1); c.656A>G, p.Glu219Gly (NM_001375819.1); c.758A>G, p.Glu253Gly (NM_153759.3); c.1325A>G, p.Glu442Gly (NM_175629.2); short protein forms E253G, E290G, E442G, E219G.
Identifiers: ClinVar variation 4993415 (VCV004993415.1).

ClinVar aggregate classification (germline): Uncertain significance (1 of 4 stars; one submission).

Conditions:
DNMT3A-related disorder. Also called: DNMT3A-related condition; DNMT3A-related disorders.

Submission:

PreventionGenetics, part of Exact Sciences
Classification: Uncertain significance for DNMT3A-related condition. Last evaluated: 2025-09-04. Review status: criteria provided, single submitter. Criteria: ACMG Guidelines, 2015. Collection method: clinical testing. Allele origin: germline.
Comment: The DNMT3A c.1325A>G variant is predicted to result in the amino acid substitution p.Glu442Gly. To our knowledge, this variant has not been reported in the literature. This variant is reported in 0.0029% of alleles in individuals of Latino descent in gnomAD. At this time, the clinical significance of this variant is uncertain due to the absence of conclusive functional and genetic evidence.